The following is an entry in ClinVar:

ClinVar aggregate classification (germline): Likely benign. Review status: criteria provided, multiple submitters, no conflicts (2 of 4 stars). 2 submissions from 2 submitters: Likely benign (2). Last evaluated 2025-08-27.

Conditions:
TJP2-related disorder. Also called: TJP2-related condition.

Allele frequency attached by ClinVar (database versions not stated): gnomAD 0.00001; TOPMed 0.00001; gnomAD exomes 0.00002; ExAC 0.00003.
gnomAD v4.1: 27 of 1,614,020 alleles (0.0017%); highest among the groups gnomAD compares: South Asian, 0.015%; no homozygotes.

Submissions (2):

PreventionGenetics, part of Exact Sciences
Classification: Likely benign for TJP2-related condition. Last evaluated: 2025-08-27. Review status: criteria provided, single submitter. Criteria: ACMG Guidelines, 2015. Collection method: clinical testing. Allele origin: germline.
Comment: This variant is classified as likely benign based on ACMG/AMP sequence variant interpretation guidelines (Richards et al. 2015 PMID: 25741868, with internal and published modifications).

Labcorp Genetics (formerly Invitae), Labcorp
Classification: Likely benign. Last evaluated: 2023-12-21. Review status: criteria provided, single submitter. Criteria: Invitae Variant Classification Sherloc (09022015). Collection method: clinical testing. Allele origin: germline.

NM_004817.4(TJP2):c.1338G>A (p.Pro446=)

Gene: TJP2 (tight junction protein 2; plus strand). Cytogenetic location: 9q21.11.
Variant type: single nucleotide variant.
Coding change: c.1338G>A on transcript NM_004817.4 (MANE Select); coding-DNA position 1338, G replaced by A.
Protein change: p.Pro446=; no amino-acid change (proline 446 retained).
Molecular consequence: synonymous variant.
Genome position (GRCh38, 1-based): chr9:69,227,999, G>A. VCF-style: chr9-69227999-G-A. GRCh37 (hg19) VCF-style: chr9-71842915-G-A.
Other names: c.1269G>A, p.Pro423= (NM_001369871.1, NM_001170414.2); c.1338G>A, p.Pro446= (NM_001369872.1, NM_001369873.1, NM_201629.3); c.1350G>A, p.Pro450= (NM_001369874.1, NM_001369875.1, NM_001170415.1); c.1431G>A, p.Pro477= (NM_001170416.2); c.1263G>A, p.Pro421= (NM_001369870.1); c.1338G>A (NM_004817.3).
Identifiers: ClinVar variation 2979421 (VCV002979421.4), dbSNP rs778511782, ClinGen allele CA5073282.
Genomic context (GRCh38, chr9:69,227,999, plus strand): 5'-ACTGTTATCTCTTGAGACATTTACGTATGACATGTGATTCAGTTCCAGAGAGGACACGCC[G>A]AGCAGATTGTCCAGGATGGGTGCGACACCCACTCCCTTTAAGTCCACAGGGGATATTGCA-3'
Protein context (NP_004808.2, residues 436-456): KERPSSREDT[Pro446=]SRLSRMGATP